The following is an entry in ClinVar:

ClinVar aggregate classification (germline): Uncertain significance (1 of 4 stars; one submission).

Conditions:
Charcot-Marie-Tooth disease type 4. Also called: Charcot-Marie-Tooth, Type 4; Charcot-Marie-Tooth disease, type IV. Identifiers: Orphanet 64749, MedGen C4082197, MONDO:0018995.

Allele frequency attached by ClinVar (database versions not stated): ExAC below 0.00001; TOPMed 0.00001.
gnomAD v4.1: 12 of 1,542,266 alleles (0.00078%); highest among the groups gnomAD compares: Non-Finnish European, 0.001%; no homozygotes.

Submission:

Labcorp Genetics (formerly Invitae), Labcorp
Classification: Uncertain significance for Charcot-Marie-Tooth disease type 4. Last evaluated: 2021-08-24. Review status: criteria provided, single submitter. Criteria: Invitae Variant Classification Sherloc (09022015). Collection method: clinical testing. Allele origin: germline.
Comment: This sequence change replaces proline with leucine at codon 254 of the PRX protein (p.Pro254Leu). The proline residue is moderately conserved and there is a moderate physicochemical difference between proline and leucine. The frequency data for this variant in the population databases is considered unreliable, as metrics indicate poor data quality at this position in the ExAC database. This variant has not been reported in the literature in individuals affected with PRX-related conditions. Algorithms developed to predict the effect of missense changes on protein structure and function are either unavailable or do not agree on the potential impact of this missense change (SIFT: "Deleterious"; PolyPhen-2: "Possibly Damaging"; Align-GVGD: "Class C0"). In summary, the available evidence is currently insufficient to determine the role of this variant in disease. Therefore, it has been classified as a Variant of Uncertain Significance.

NM_181882.3(PRX):c.761C>T (p.Pro254Leu)

Gene: PRX (periaxin; minus strand). Cytogenetic location: 19q13.2.
Variant type: single nucleotide variant.
Coding change: c.761C>T on transcript NM_181882.3 (MANE Select); coding-DNA position 761, C replaced by T.
Protein change: p.Pro254Leu; replaces proline 254 with leucine.
Molecular consequence: missense variant. On other transcripts: 3 prime UTR variant (1).
Genome position (GRCh38, 1-based): chr19:40,397,591, G>A on the plus strand (C>T on the coding strand, the complement: PRX is on the minus strand). VCF-style: chr19-40397591-G-A. GRCh37 (hg19) VCF-style: chr19-40903498-G-A.
Other names: c.*966C>T (NM_020956.2); short protein forms P254L.
Identifiers: ClinVar variation 1010445 (VCV001010445.6), dbSNP rs748153822, ClinGen allele CA9444385.